The following is an entry in ClinVar:

NM_001367561.1(DOCK7):c.3709C>T (p.Arg1237Ter)

Gene: DOCK7 (dedicator of cytokinesis 7; minus strand). Cytogenetic location: 1p31.3.
Variant type: single nucleotide variant.
Coding change: c.3709C>T on transcript NM_001367561.1 (MANE Select); coding-DNA position 3709, C replaced by T.
Protein change: p.Arg1237Ter; replaces arginine 1237 with a stop codon.
Molecular consequence: nonsense.
Genome position (GRCh38, 1-based): chr1:62,529,349, G>A on the plus strand (C>T on the coding strand, the complement: DOCK7 is on the minus strand). VCF-style: chr1-62529349-G-A. GRCh37 (hg19) VCF-style: chr1-62995020-G-A.
Other names: c.3709C>T, p.Arg1237Ter (NM_001271999.2, NM_001330614.2); c.3616C>T, p.Arg1206Ter (NM_001272000.2, NM_001272001.2, NM_033407.4); short protein forms R1237*, R1206*.
Identifiers: ClinVar variation 139537 (VCV000139537.5), dbSNP rs587777484, ClinGen allele CA163243.

ClinVar aggregate classification (germline): Pathogenic. Review status: criteria provided, single submitter (1 of 4 stars). 2 submissions from 2 submitters: Pathogenic (1). 1 of the submissions does not count toward it. Last evaluated 2023-11-06.

Conditions:
Developmental and epileptic encephalopathy, 23 (DEE23). Also called: Epileptic encephalopathy, early infantile, 23. Identifiers: Orphanet 411986, MedGen C4014492, MONDO:0014371, OMIM 615859.

Submissions (2):

Labcorp Genetics (formerly Invitae), Labcorp
Classification: Pathogenic for Developmental and epileptic encephalopathy, 23. Last evaluated: 2023-11-06. Review status: criteria provided, single submitter. Criteria: Invitae Variant Classification Sherloc (09022015). Collection method: clinical testing. Allele origin: germline.
Comment: This sequence change creates a premature translational stop signal (p.Arg1237*) in the DOCK7 gene. It is expected to result in an absent or disrupted protein product. Loss-of-function variants in DOCK7 are known to be pathogenic (PMID: 24814191). This variant is not present in population databases (gnomAD no frequency). This premature translational stop signal has been observed in individual(s) with developmental and epileptic encephalopathy (PMID: 24814191). ClinVar contains an entry for this variant (Variation ID: 139537). For these reasons, this variant has been classified as Pathogenic.

OMIM
Classification: Pathogenic for DEVELOPMENTAL AND EPILEPTIC ENCEPHALOPATHY 23. Last evaluated: 2014-06-05. Review status: no assertion criteria provided. Collection method: literature only. Allele origin: germline. Not counted in ClinVar's aggregate classification.

Literature cited by the submitters: PubMed 24814191 (cited by Labcorp Genetics (formerly Invitae), Labcorp and OMIM).